The following is an entry in ClinVar:

NM_001845.6(COL4A1):c.2494G>A (p.Gly832Arg)

Gene: COL4A1 (collagen type IV alpha 1 chain; minus strand). Cytogenetic location: 13q34.
Variant type: single nucleotide variant.
Coding change: c.2494G>A on transcript NM_001845.6 (MANE Select); coding-DNA position 2494, G replaced by A.
Protein change: p.Gly832Arg; replaces glycine 832 with arginine.
Molecular consequence: missense variant.
Genome position (GRCh38, 1-based): chr13:110,178,196, C>T on the plus strand (G>A on the coding strand, the complement: COL4A1 is on the minus strand). VCF-style: chr13-110178196-C-T. GRCh37 (hg19) VCF-style: chr13-110830543-C-T.
Other names: c.2494G>A (NM_001845.5); short protein forms G832R.
Identifiers: ClinVar variation 208663 (VCV000208663.50), dbSNP rs797044867, ClinGen allele CA204636.

ClinVar aggregate classification (germline): Pathogenic/Likely pathogenic. Review status: criteria provided, multiple submitters, no conflicts (2 of 4 stars). 10 submissions from 10 submitters: Pathogenic (7); Likely pathogenic (3). Last evaluated 2025-12-13.

Conditions:
COL4A1-related disorder. Also called: COL4A1-related condition; COL4A1-related disorders. Identifiers: MedGen CN376119, MONDO:0800461.
Microangiopathy and leukoencephalopathy, pontine, autosomal dominant. Also called: DEMENTIA, HEREDITARY MULTI-INFARCT, SWEDISH TYPE; Pontine autosomal dominant microangiopathy with leukoencephalopathy. Identifiers: Orphanet 477749, MedGen C5231411, MONDO:0032814, OMIM 618564.
Brain small vessel disease 1 with or without ocular anomalies (BSVD1). Also called: BRAIN SMALL VESSEL DISEASE WITH HEMORRHAGE; GOULD SYNDROME 1; Brain small vessel disease with or without ocular anomalies; PORENCEPHALY, TYPE 1, AUTOSOMAL DOMINANT. Identifiers: Orphanet 2940, Orphanet 36383, Orphanet 99810, MedGen C4755307, MONDO:0008289, OMIM 175780.
Inborn genetic diseases. Identifiers: MedGen C0950123, MeSH D030342.

Submissions (10):

Greenwood Genetic Center Diagnostic Laboratories, Greenwood Genetic Center
Classification: Pathogenic for COL4A1-related disorder. Last evaluated: 2025-12-13. Review status: criteria provided, single submitter. Criteria: ACMG Guidelines, 2015. Collection method: clinical testing. Allele origin: germline. Affected: yes.
Comment: PS2, PS4, PM1, PM2, PP2, PP3

Labcorp Genetics (formerly Invitae), Labcorp
Classification: Pathogenic. Last evaluated: 2025-07-29. Review status: criteria provided, single submitter. Criteria: Invitae Variant Classification Sherloc (09022015). Collection method: clinical testing. Allele origin: germline.
Comment: This sequence change replaces glycine, which is neutral and non-polar, with arginine, which is basic and polar, at codon 832 of the COL4A1 protein (p.Gly832Arg). This variant is not present in population databases (gnomAD no frequency). This missense change has been observed in individual(s) with COL4A1-related conditions (PMID: 28442301, 32732225). In at least one individual the variant was observed to be de novo. ClinVar contains an entry for this variant (Variation ID: 208663). Invitae Evidence Modeling of protein sequence and biophysical properties (such as structural, functional, and spatial information, amino acid conservation, physicochemical variation, residue mobility, and thermodynamic stability) indicates that this missense variant is expected to disrupt COL4A1 protein function with a positive predictive value of 95%. For these reasons, this variant has been classified as Pathogenic.

GeneDx
Classification: Pathogenic. Last evaluated: 2024-03-05. Review status: criteria provided, single submitter. Criteria: GeneDx Variant Classification Process June 2021. Collection method: clinical testing. Allele origin: germline. Affected: yes.
Comment: Affects a glycine residue in a Gly-X-Y motif in the triple helical region of the COL4A1 gene, where the majority of pathogenic missense variants occur, and is predicted to disrupt normal protein folding and function (HGMD; PMID: 22522439, 23225343); Not observed at significant frequency in large population cohorts (gnomAD); In silico analysis supports that this missense variant has a deleterious effect on protein structure/function; This variant is associated with the following publications: (PMID: 25356970, 26795593, 32732225, 31700678, 35699195, 35803560, 28442301, 22522439, 23225343)

3billion
Classification: Likely pathogenic for Microangiopathy and leukoencephalopathy, pontine, autosomal dominant. Last evaluated: 2022-09-01. Review status: criteria provided, single submitter. Criteria: ACMG Guidelines, 2015. Collection method: clinical testing. Allele origin: germline. Affected: yes. Observed: 1 heterozygote.
Comment: The variant is not observed in the gnomAD v2.1.1 dataset. Missense changes are a common disease-causing mechanism. In silico tool predictions suggest damaging effect of the variant on gene or gene product (REVEL: 0.96; 3Cnet: 0.83). Same nucleotide change resulting in same amino acid change has been previously reported as pathogenic/likely pathogenic with strong evidence (ClinVar ID: VCV000208663). Therefore, this variant is classified as Likely pathogenic according to the recommendation of ACMG/AMP guideline.

MGZ Medical Genetics Center
Classification: Pathogenic for Brain small vessel disease 1 with or without ocular anomalies. Last evaluated: 2022-04-14. Review status: criteria provided, single submitter. Criteria: ACMG Guidelines, 2015. Collection method: clinical testing. Allele origin: germline. Affected: yes. Observed: 1 variant allele.
Comment: ACMG criteria applied: PM1_STR, PS4_MOD, PM6, PM2_SUP, PP3

CeGaT Center for Human Genetics Tuebingen
Classification: Likely pathogenic. Last evaluated: 2021-06-01. Review status: criteria provided, single submitter. Criteria: CeGaT Center For Human Genetics Tuebingen Variant Classification Criteria Version 2. Collection method: clinical testing. Allele origin: germline. Affected: yes. Observed: 1 variant allele.

Blueprint Genetics
Classification: Pathogenic for COL4A1-related disorders. Last evaluated: 2020-01-16. Review status: criteria provided, single submitter. Criteria: ACMG Guidelines, 2015. Collection method: clinical testing. Allele origin: germline. Affected: yes. Observed: 1 variant allele.

Ambry Genetics
Classification: Pathogenic for Inborn genetic diseases. Last evaluated: 2013-11-26. Review status: criteria provided, single submitter. Criteria: Ambry Autosomal Dominant and X-Linked criteria (10/2015). Collection method: clinical testing. Allele origin: germline. Observed: 1 variant allele.

Bruce Lefroy Centre, Murdoch Childrens Research Institute
Classification: Pathogenic for Brain small vessel disease 1 with or without ocular anomalies. Review status: criteria provided, single submitter. Criteria: ACMG Guidelines, 2015. Collection method: research. Allele origin: de novo. Inheritance: Autosomal dominant inheritance. Affected: yes. Observed: 1 variant allele.

Rady Children's Institute for Genomic Medicine, Rady Children's Hospital San Diego
Classification: Likely pathogenic for COL4A1-Related Disorders. Review status: criteria provided, single submitter. Criteria: ACMG Guidelines, 2015. Collection method: clinical testing. Allele origin: germline. Affected: yes.
Comment: This variant has been previously reported as a de novo change in a patient with epileptic encephalopathy with infantile spasms (PMID: 25356970, 26795593), and in a patient with juvenile onset right hand and foot dystonia and brain abnormalities on MRI (PMID: 28442301). It is absent from the gnomAD population database and thus is presumed to be rare. The c.2494G>A (p.Gly832Arg) variant affects a highly conserved glycine in the collagen triple helix repeat, and is predicted by multiple in silico tools to have a deleterious effect on protein function. Analysis of the parental samples was negative for the variant, indicating this variant likely occurred as a de novo event. Based on the available evidence, the c.2494G>A (p.Gly832Arg) variant is classified as Likely Pathogenic.

Literature cited by the submitters: PubMed 28442301 (cited by Labcorp Genetics (formerly Invitae), Labcorp); PubMed 32732225 (cited by Labcorp Genetics (formerly Invitae), Labcorp).